The following is an entry in ClinVar:

ClinVar aggregate classification (germline): Likely benign. Review status: criteria provided, multiple submitters, no conflicts (2 of 4 stars). 2 submissions from 2 submitters: Likely benign (2). Last evaluated 2025-12-03.

Conditions:
ABCA4-related disorder. Also called: ABCA4-related disorders; ABCA4-related condition. Identifiers: MedGen CN239167.

gnomAD v4.1: 15 of 1,614,062 alleles (0.00093%); highest among the groups gnomAD compares: South Asian, 0.0022%; no homozygotes.

Submissions (2):

PreventionGenetics, part of Exact Sciences
Classification: Likely benign for ABCA4-related condition. Last evaluated: 2025-12-03. Review status: criteria provided, single submitter. Criteria: ACMG Guidelines, 2015. Collection method: clinical testing. Allele origin: germline.
Comment: This variant is classified as likely benign based on ACMG/AMP sequence variant interpretation guidelines (Richards et al. 2015 PMID: 25741868, with internal and published modifications).

Blueprint Genetics
Classification: Likely benign. Last evaluated: 2021-06-09. Review status: criteria provided, single submitter. Criteria: ACMG Guidelines, 2015. Collection method: clinical testing. Allele origin: germline.

NM_000350.3(ABCA4):c.2514G>A (p.Leu838=)

Gene: ABCA4 (ATP binding cassette subfamily A member 4; minus strand). Cytogenetic location: 1p22.1.
Variant type: single nucleotide variant.
Coding change: c.2514G>A on transcript NM_000350.3 (MANE Select); coding-DNA position 2514, G replaced by A.
Protein change: p.Leu838=; no amino-acid change (leucine 838 retained).
Molecular consequence: synonymous variant.
Genome position (GRCh38, 1-based): chr1:94,055,184, C>T on the plus strand (G>A on the coding strand, the complement: ABCA4 is on the minus strand). VCF-style: chr1-94055184-C-T. GRCh37 (hg19) VCF-style: chr1-94520740-C-T.
Other names: c.2514G>A (NM_000350.2); c.2292G>A, p.Leu764= (NM_001425324.1).
Identifiers: ClinVar variation 4899705 (VCV004899705.2).